The following is an entry in ClinVar:

NM_198904.4(GABRG2):c.782del (p.Val261fs)

Gene: GABRG2 (gamma-aminobutyric acid type A receptor subunit gamma2; plus strand). Cytogenetic location: 5q34.
Variant type: Deletion.
Coding change: c.782del on transcript NM_198904.4 (MANE Select); coding-DNA position 782, one base deleted (T; older notation c.782delT).
Protein change: p.Val261fs; shifts the reading frame from valine 261.
Molecular consequence: frameshift variant.
Genome position (GRCh38, 1-based): chr5:162,142,176, T deleted. VCF-style (leftmost placement, unchanged base first): chr5-162142175-GT-G. GRCh37 (hg19) VCF-style: chr5-161569181-GT-G.
Other names: c.782del, p.Val261fs (NM_000816.3, NM_001375340.1); c.773del, p.Val258fs (NM_001375339.1); c.779del, p.Val260fs (NM_001375341.1, NM_001375342.1); c.902del, p.Val301fs (NM_001375343.1, NM_198903.2); c.821del, p.Val274fs (NM_001375344.1); c.716del, p.Val239fs (NM_001375345.1, NM_001375346.1); c.695del, p.Val232fs (NM_001375347.1); c.362del, p.Val121fs (NM_001375348.1, NM_001375350.1); and 1 more; short protein forms V121fs, V239fs, V260fs, V274fs, V166fs, V258fs, V261fs, V301fs.
Identifiers: ClinVar variation 2950084 (VCV002950084.3), dbSNP rs2532725944, ClinGen allele CA2740094174.

ClinVar aggregate classification (germline): Pathogenic (1 of 4 stars; one submission).

Conditions:
EPILEPSY, CHILDHOOD ABSENCE, SUSCEPTIBILITY TO, 2 (ECA2). Identifiers: Orphanet 64280, MedGen C1843244, OMIM 607681.
Febrile seizures, familial, 8 (FEB8). Also called: CONVULSIONS, FAMILIAL FEBRILE, 8. Identifiers: Orphanet 36387, MedGen C1969810, MONDO:0011891, OMIM 607681.

Submission:

Labcorp Genetics (formerly Invitae), Labcorp
Classification: Pathogenic for Febrile seizures, familial, 8; EPILEPSY, CHILDHOOD ABSENCE, SUSCEPTIBILITY TO, 2. Last evaluated: 2023-07-19. Review status: criteria provided, single submitter. Criteria: Invitae Variant Classification Sherloc (09022015). Collection method: clinical testing. Allele origin: germline.
Comment: This sequence change creates a premature translational stop signal (p.Val261Alafs*8) in the GABRG2 gene. It is expected to result in an absent or disrupted protein product. Loss-of-function variants in GABRG2 are known to be pathogenic (PMID: 22539854, 22750526, 24407264). This variant is not present in population databases (gnomAD no frequency). This variant has not been reported in the literature in individuals affected with GABRG2-related conditions. For these reasons, this variant has been classified as Pathogenic.

Literature cited by the submitters: PubMed 22539854; PubMed 22750526; PubMed 24407264.